The following is an entry in ClinVar:

ClinVar aggregate classification (germline): Uncertain significance (1 of 4 stars; one submission).

gnomAD v4.1: 1 of 1,568,450 alleles (0.000064%); highest among the groups gnomAD compares: Non-Finnish European, 0.000086%; no homozygotes.

Submission:

GeneDx
Classification: Uncertain significance. Last evaluated: 2016-12-07. Review status: criteria provided, single submitter. Criteria: GeneDx Variant Classification (06012015). Collection method: clinical testing. Allele origin: germline. Affected: yes.
Comment: A variant of uncertain significance has been identified in the NRXN1 gene. The C50W variant has not been published as a pathogenic variant, nor has it been reported as a benign variant to our knowledge. The C50W variant is not observed in large population cohorts (Lek et al., 2016; 1000 Genomes Consortium et al., 2015; Exome Variant Server). The C50W variant is a non-conservative amino acid substitution, which is likely to impact secondary protein structure as these residues differ in polarity, charge, size and/or other properties. This substitution occurs at a position that is conserved across species and in silico analysis predicts this variant is probably damaging to the protein structure/function. However, missense variants in nearby residues have not been reported in Human Gene Mutation Database in association with NRXN1-related disorders (Stenson et al., 2014). Therefore, based on the currently available information, it is unclear whether this variant is a pathogenic variant or a rare benign variant.

NM_001330078.2(NRXN1):c.150C>G (p.Cys50Trp)

Gene: NRXN1 (neurexin 1; minus strand). Cytogenetic location: 2p16.3.
Variant type: single nucleotide variant.
Coding change: c.150C>G on transcript NM_001330078.2 (MANE Select); coding-DNA position 150, C replaced by G.
Protein change: p.Cys50Trp; replaces cysteine 50 with tryptophan.
Molecular consequence: missense variant.
Genome position (GRCh38, 1-based): chr2:51,028,124, G>C on the plus strand (C>G on the coding strand, the complement: NRXN1 is on the minus strand). VCF-style: chr2-51028124-G-C. GRCh37 (hg19) VCF-style: chr2-51255262-G-C.
Other names: c.150C>G, p.Cys50Trp (NM_001135659.3, NM_001330077.2, NM_001330079.2 and 15 more transcripts); short protein forms C50W.
Identifiers: ClinVar variation 373707 (VCV000373707.1), dbSNP rs1057518563, ClinGen allele CA16042428.
Genomic context (GRCh38, chr2:51,028,124, plus strand): 5'-GAAGTAGAGCACGAGGCCGCGGGCGCTGCGAGTCTTGAGCTGGAAGCTCATCTCGCTCTC[G>C]CAGCAGGCGTTCCACTTGGGGAAGCGCGTCCATTGGCCCTCGGCGCCCGGAAACTCCAGC-3'
Protein context (NP_001317007.1, residues 40-60): WTRFPKWNAC[Cys50Trp]ESEMSFQLKT